The following is an entry in ClinVar:

NM_001080.3(ALDH5A1):c.354G>C (p.Lys118Asn)

Genes: ALDH5A1 (aldehyde dehydrogenase 5 family member A1; plus strand), LOC129995978 (ATAC-STARR-seq lymphoblastoid silent region 16989; plus strand). Cytogenetic location: 6p22.3.
Variant type: single nucleotide variant.
Coding change: c.354G>C on transcript NM_001080.3 (MANE Select); coding-DNA position 354, G replaced by C.
Protein change: p.Lys118Asn; replaces lysine 118 with asparagine.
Molecular consequence: missense variant.
Genome position (GRCh38, 1-based): chr6:24,495,350, G>C. VCF-style: chr6-24495350-G-C. GRCh37 (hg19) VCF-style: chr6-24495578-G-C.
Other names: c.354G>C, p.Lys118Asn (NM_001368954.1, NM_170740.1); short protein forms K118N.
Identifiers: ClinVar variation 1878437 (VCV001878437.4), dbSNP rs1444826704, ClinGen allele CA362968752.
Genomic context (GRCh38, chr6:24,495,350, plus strand): 5'-CCGCGCCGCCGTGCGCGCTGCCTACGAGGCTTTCTGCCGCTGGAGGGAGGTCTCCGCCAA[G>C]GTGAGAGAGCCCGGATGCAGGGGGCCAGAGCTGGCCGGGGACACGGCGGGGAGCAGAGGG-3'
Protein context (NP_001071.1, residues 108-128): AFCRWREVSA[Lys118Asn]ERSSLLRKWY

ClinVar aggregate classification (germline): Likely pathogenic (1 of 4 stars; one submission).

Conditions:
Succinate-semialdehyde dehydrogenase deficiency (SSADHD). Also called: Succinic Semialdehyde Dehydrogenase Deficiency; SSADH DEFICIENCY; 4-HYDROXYBUTYRIC ACIDURIA; GABA METABOLIC DEFECT. Identifiers: Orphanet 22, MedGen C0268631, MONDO:0010083, OMIM 271980.

gnomAD v4.1: 3 of 1,532,702 alleles (0.0002%); highest among the groups gnomAD compares: South Asian, 0.0024%; no homozygotes.

Submission:

Elsea Laboratory, Baylor College of Medicine
Classification: Likely pathogenic for Succinate-semialdehyde dehydrogenase deficiency. Last evaluated: 2021-03-08. Review status: criteria provided, single submitter. Criteria: Martin et al. (J Child Neurol. 2021). Collection method: curation. Allele origin: germline. Affected: yes.
Comment: NAD binding domain; normal in vitro enzyme activity; however, variant affects splicing.

Literature cited by the submitters: PubMed 33203024; PubMed 32402538.